The following is an entry in ClinVar:

ClinVar aggregate classification (germline): Uncertain significance (1 of 4 stars; one submission).

Conditions:
Primary ciliary dyskinesia. Also called: Ciliary dyskinesia. Identifiers: Orphanet 244, MedGen C0008780, MONDO:0016575, HP:0012265.

Submission:

Labcorp Genetics (formerly Invitae), Labcorp
Classification: Uncertain significance for Primary ciliary dyskinesia. Last evaluated: 2022-11-29. Review status: criteria provided, single submitter. Criteria: Invitae Variant Classification Sherloc (09022015). Collection method: clinical testing. Allele origin: germline.
Comment: This sequence change replaces isoleucine, which is neutral and non-polar, with threonine, which is neutral and polar, at codon 709 of the CCDC40 protein (p.Ile709Thr). This variant is not present in population databases (gnomAD no frequency). This variant has not been reported in the literature in individuals affected with CCDC40-related conditions. ClinVar contains an entry for this variant (Variation ID: 1463993). Advanced modeling of protein sequence and biophysical properties (such as structural, functional, and spatial information, amino acid conservation, physicochemical variation, residue mobility, and thermodynamic stability) performed at Invitae indicates that this missense variant is expected to disrupt CCDC40 protein function. In summary, the available evidence is currently insufficient to determine the role of this variant in disease. Therefore, it has been classified as a Variant of Uncertain Significance.

NM_017950.4(CCDC40):c.2126T>C (p.Ile709Thr)

Gene: CCDC40 (coiled-coil domain 40 molecular ruler complex subunit; plus strand). Cytogenetic location: 17q25.3.
Variant type: single nucleotide variant.
Coding change: c.2126T>C on transcript NM_017950.4 (MANE Select); coding-DNA position 2126, T replaced by C.
Protein change: p.Ile709Thr; replaces isoleucine 709 with threonine.
Molecular consequence: missense variant.
Genome position (GRCh38, 1-based): chr17:80,084,879, T>C. VCF-style: chr17-80084879-T-C. GRCh37 (hg19) VCF-style: chr17-78058678-T-C.
Other names: c.2126T>C, p.Ile709Thr (NM_001243342.2); short protein forms I709T.
Identifiers: ClinVar variation 1463993 (VCV001463993.6), dbSNP rs759104776, ClinGen allele CA401343404.
Genomic context (GRCh38, chr17:80,084,879, plus strand): 5'-ACGCACACCAGAAGACCCTGGTGGAGCTGGACCAGGACGTGAAGAAAGTCAACGAGCTCA[T>C]CACCAACAGCCAGAGCGAGATCTCCCGGCGCACGATCCTGATCGAGAGGAAGCAAGGGCT-3'
Protein context (NP_060420.2, residues 699-719): DQDVKKVNEL[Ile709Thr]TNSQSEISRR